The following is an entry in ClinVar:

NM_014317.5(PDSS1):c.590A>G (p.Lys197Arg)

Gene: PDSS1 (decaprenyl diphosphate synthase subunit 1; plus strand). Cytogenetic location: 10p12.1.
Variant type: single nucleotide variant.
Coding change: c.590A>G on transcript NM_014317.5 (MANE Select); coding-DNA position 590, A replaced by G.
Protein change: p.Lys197Arg; replaces lysine 197 with arginine.
Molecular consequence: missense variant.
Genome position (GRCh38, 1-based): chr10:26,720,340, A>G. VCF-style: chr10-26720340-A-G. GRCh37 (hg19) VCF-style: chr10-27009269-A-G.
Other names: c.590A>G, p.Lys197Arg (NM_001321978.2); c.80A>G, p.Lys27Arg (NM_001321979.2); short protein forms K27R, K197R.
Identifiers: ClinVar variation 1508518 (VCV001508518.7), dbSNP rs2132259534, ClinGen allele CA376346446.

ClinVar aggregate classification (germline): Uncertain significance. Review status: criteria provided, multiple submitters, no conflicts (2 of 4 stars). 2 submissions from 2 submitters: Uncertain significance (2). Last evaluated 2024-02-26.

Conditions:
Deafness-encephaloneuropathy-obesity-valvulopathy syndrome. Identifiers: Orphanet 254898, MedGen C3553354, MONDO:0013837, OMIM 614651.

Submissions (2):

Labcorp Genetics (formerly Invitae), Labcorp
Classification: Uncertain significance. Last evaluated: 2024-02-26. Review status: criteria provided, single submitter. Criteria: Invitae Variant Classification Sherloc (09022015). Collection method: clinical testing. Allele origin: germline.
Comment: This sequence change replaces lysine, which is basic and polar, with arginine, which is basic and polar, at codon 197 of the PDSS1 protein (p.Lys197Arg). This variant is not present in population databases (gnomAD no frequency). This variant has not been reported in the literature in individuals affected with PDSS1-related conditions. ClinVar contains an entry for this variant (Variation ID: 1508518). Advanced modeling of protein sequence and biophysical properties (such as structural, functional, and spatial information, amino acid conservation, physicochemical variation, residue mobility, and thermodynamic stability) performed at Invitae indicates that this missense variant is not expected to disrupt PDSS1 protein function with a negative predictive value of 80%. In summary, the available evidence is currently insufficient to determine the role of this variant in disease. Therefore, it has been classified as a Variant of Uncertain Significance.

Fulgent Genetics
Classification: Uncertain significance for Deafness-encephaloneuropathy-obesity-valvulopathy syndrome. Last evaluated: 2022-03-11. Review status: criteria provided, single submitter. Criteria: ACMG Guidelines, 2015. Collection method: clinical testing. Allele origin: unknown.